The following is an entry in ClinVar:

ClinVar aggregate classification (germline): Uncertain significance (1 of 4 stars; one submission).

Conditions:
Familial meningioma. Also called: Meningioma, familial, susceptibility to. Identifiers: Orphanet 263662, MedGen C3551915, MONDO:0011789, OMIM 607174.

Submission:

Labcorp Genetics (formerly Invitae), Labcorp
Classification: Uncertain significance for Familial meningioma. Last evaluated: 2023-03-20. Review status: criteria provided, single submitter. Criteria: Invitae Variant Classification Sherloc (09022015). Collection method: clinical testing. Allele origin: germline.
Comment: This sequence change replaces serine, which is neutral and polar, with threonine, which is neutral and polar, at codon 383 of the SMARCE1 protein (p.Ser383Thr). This variant is not present in population databases (gnomAD no frequency). This variant has not been reported in the literature in individuals affected with SMARCE1-related conditions. Advanced modeling of protein sequence and biophysical properties (such as structural, functional, and spatial information, amino acid conservation, physicochemical variation, residue mobility, and thermodynamic stability) performed at Invitae indicates that this missense variant is not expected to disrupt SMARCE1 protein function. In summary, the available evidence is currently insufficient to determine the role of this variant in disease. Therefore, it has been classified as a Variant of Uncertain Significance.

NM_003079.5(SMARCE1):c.1148G>C (p.Ser383Thr)

Gene: SMARCE1 (SWI/SNF related BAF chromatin remodeling complex subunit E1; minus strand). Cytogenetic location: 17q21.2.
Variant type: single nucleotide variant.
Coding change: c.1148G>C on transcript NM_003079.5 (MANE Select); coding-DNA position 1148, G replaced by C.
Protein change: p.Ser383Thr; replaces serine 383 with threonine.
Molecular consequence: missense variant.
Genome position (GRCh38, 1-based): chr17:40,628,873, C>G on the plus strand (G>C on the coding strand, the complement: SMARCE1 is on the minus strand). VCF-style: chr17-40628873-C-G. GRCh37 (hg19) VCF-style: chr17-38785125-C-G.
Other names: short protein forms S383T.
Identifiers: ClinVar variation 2750339 (VCV002750339.3), dbSNP rs1555605079, ClinGen allele CA399361149.
Genomic context (GRCh38, chr17:40,628,873, plus strand): 5'-GGATCTGTTGGTGGCTCCTCCACTGTTGCACTGTTGCTCTCCGAGCCAGTGTTACTATCA[C>G]TGGTTCCTTCCTCTGCCATACTGTCGACCCCCTCCTGCCCACTCTCCTTGTCCTCAGGAG-3'
Protein context (NP_003070.3, residues 373-393): GVDSMAEEGT[Ser383Thr]DSNTGSESNS